The following is an entry in ClinVar:

NM_000094.4(COL7A1):c.8358+3G>A

Gene: COL7A1 (collagen type VII alpha 1 chain; minus strand). Cytogenetic location: 3p21.31.
Variant type: single nucleotide variant.
Coding change: c.8358+3G>A on transcript NM_000094.4 (MANE Select); 3 bases into the intron after coding-DNA position 8358, G replaced by A.
Molecular consequence: intron variant.
Genome position (GRCh38, 1-based): chr3:48,566,507, C>T on the plus strand (G>A on the coding strand, the complement: COL7A1 is on the minus strand). VCF-style: chr3-48566507-C-T. GRCh37 (hg19) VCF-style: chr3-48603940-C-T.
Identifiers: ClinVar variation 2152904 (VCV002152904.2), dbSNP rs1485134341, ClinGen allele CA542787834.

ClinVar aggregate classification (germline): Uncertain significance (1 of 4 stars; one submission).

Allele frequency attached by ClinVar (database versions not stated): gnomAD exomes below 0.00001; TOPMed below 0.00001.
gnomAD v4.1: 4 of 1,613,832 alleles (0.00025%); highest among the groups gnomAD compares: Admixed American, 0.0033%; no homozygotes.

Submission:

Labcorp Genetics (formerly Invitae), Labcorp
Classification: Uncertain significance. Last evaluated: 2025-06-08. Review status: criteria provided, single submitter. Criteria: Invitae Variant Classification Sherloc (09022015). Collection method: clinical testing. Allele origin: germline.
Comment: This sequence change falls in intron 112 of the COL7A1 gene. It does not directly change the encoded amino acid sequence of the COL7A1 protein. It affects a nucleotide within the consensus splice site. This variant is present in population databases (no rsID available, gnomAD 0.003%). This variant has not been reported in the literature in individuals affected with COL7A1-related conditions. ClinVar contains an entry for this variant (Variation ID: 2152904). Variants that disrupt the consensus splice site are a relatively common cause of aberrant splicing (PMID: 17576681, 9536098). Algorithms developed to predict the effect of sequence changes on RNA splicing suggest that this variant is not likely to affect RNA splicing. In summary, the available evidence is currently insufficient to determine the role of this variant in disease. Therefore, it has been classified as a Variant of Uncertain Significance.

Literature cited by the submitters: PubMed 17576681; PubMed 9536098.